The following is an entry in ClinVar:

ClinVar aggregate classification (germline): Uncertain significance (1 of 4 stars; one submission).

Conditions:
Inborn genetic diseases. Identifiers: MedGen C0950123, MeSH D030342.

Submission:

Ambry Genetics
Classification: Uncertain significance for Inborn genetic diseases. Last evaluated: 2026-04-26. Review status: criteria provided, single submitter. Criteria: Ambry Variant Classification Scheme 2023. Collection method: clinical testing. Allele origin: germline.
Comment: The p.N426S variant (also known as c.1277A>G), located in coding exon 11 of the KDM1A gene, results from an A to G substitution at nucleotide position 1277. The asparagine at codon 426 is replaced by serine, an amino acid with highly similar properties. This amino acid position is conserved. In addition, the in silico prediction for this alteration is inconclusive. Based on the available evidence, the clinical significance of this variant remains unclear.

NM_001009999.3(KDM1A):c.1277A>G (p.Asn426Ser)

Gene: KDM1A (lysine demethylase 1A; plus strand). Cytogenetic location: 1p36.12.
Variant type: single nucleotide variant.
Coding change: c.1277A>G on transcript NM_001009999.3 (MANE Select); coding-DNA position 1277, A replaced by G.
Protein change: p.Asn426Ser; replaces asparagine 426 with serine.
Molecular consequence: missense variant.
Genome position (GRCh38, 1-based): chr1:23,068,636, A>G. VCF-style: chr1-23068636-A-G. GRCh37 (hg19) VCF-style: chr1-23395129-A-G.
Other names: c.1205A>G, p.Asn402Ser (NM_015013.4, NM_001363654.2, NM_001410763.1); c.1265A>G, p.Asn422Ser (NM_001410762.1); short protein forms N402S, N422S, N426S.
Identifiers: ClinVar variation 4858724 (VCV004858724.1).